The following is an entry in ClinVar:

ClinVar aggregate classification (germline): Likely benign (1 of 4 stars; one submission).

gnomAD v4.1: 17 of 1,613,662 alleles (0.0011%); highest among the groups gnomAD compares: East Asian, 0.038%; no homozygotes.

Submission:

Women's Health and Genetics/Laboratory Corporation of America, LabCorp
Classification: Likely benign. Last evaluated: 2026-01-05. Review status: criteria provided, single submitter. Criteria: LabCorp Variant Classification Summary - May 2015. Collection method: clinical testing. Allele origin: germline.
Comment: Variant summary: DOCK8 c.3373C>T (p.Pro1125Ser) results in a non-conservative amino acid change in the encoded protein sequence. Algorithms developed to predict the effect of missense changes on protein structure and function are either unavailable or do not agree on the potential impact of this missense change. The variant allele was found at a frequency of 8.8e-05 in 251128 control chromosomes, predominantly at a frequency of 0.0012 within the East Asian subpopulation in the gnomAD database. The observed variant frequency within East Asian control individuals in the gnomAD database exceeds the estimated maximal expected allele frequency for disease-causing variants in DOCK8. To our knowledge, no occurrence of c.3373C>T in individuals affected with DOCK8-related conditions and no experimental evidence demonstrating its impact on protein function have been reported. No submitters have cited clinical-significance assessments for this variant to ClinVar. Based on the evidence outlined above, the variant was classified as likely benign.

NM_203447.4(DOCK8):c.3373C>T (p.Pro1125Ser)

Gene: DOCK8 (dedicator of cytokinesis 8; plus strand). Cytogenetic location: 9p24.3.
Variant type: single nucleotide variant.
Coding change: c.3373C>T on transcript NM_203447.4 (MANE Select); coding-DNA position 3373, C replaced by T.
Protein change: p.Pro1125Ser; replaces proline 1125 with serine.
Molecular consequence: missense variant.
Genome position (GRCh38, 1-based): chr9:405,056, C>T. VCF-style: chr9-405056-C-T. GRCh37 (hg19) VCF-style: chr9-405056-C-T.
Other names: c.3073C>T, p.Pro1025Ser (NM_001190458.2); c.3169C>T, p.Pro1057Ser (NM_001193536.2); short protein forms P1025S, P1057S, P1125S.
Identifiers: ClinVar variation 4689668 (VCV004689668.1).
Genomic context (GRCh38, chr9:405,056, plus strand): 5'-CATTACCTCAATCTGAACCTTTTTTTTATGAATGCTGATACTGCTCCAACATCTCCTTGT[C>T]CTTCCATATCTTCCCAGGTAATAAAAGAATTATTTAACTAAAAGAATTATTCAAGCTATT-3'
Protein context (NP_982272.2, residues 1115-1135): NADTAPTSPC[Pro1125Ser]SISSQNSSSC